The following is an entry in ClinVar:

NM_004995.4(MMP14):c.472C>T (p.Arg158Cys)

Gene: MMP14 (matrix metallopeptidase 14; plus strand). Cytogenetic location: 14q11.2.
Variant type: single nucleotide variant.
Coding change: c.472C>T on transcript NM_004995.4 (MANE Select); coding-DNA position 472, C replaced by T.
Protein change: p.Arg158Cys; replaces arginine 158 with cysteine.
Molecular consequence: missense variant.
Genome position (GRCh38, 1-based): chr14:22,842,501, C>T. VCF-style: chr14-22842501-C-T. GRCh37 (hg19) VCF-style: chr14-23311710-C-T.
Other names: short protein forms R158C.
Identifiers: ClinVar variation 2887825 (VCV002887825.3), dbSNP rs142628539, ClinGen allele CA7105183.

ClinVar aggregate classification (germline): Uncertain significance (1 of 4 stars; one submission).

Allele frequency attached by ClinVar (database versions not stated): ExAC 0.00001; gnomAD exomes 0.00001; gnomAD 0.00003; TOPMed 0.00005; ESP Exome Variant Server 0.00008.

Submission:

Labcorp Genetics (formerly Invitae), Labcorp
Classification: Uncertain significance. Last evaluated: 2023-11-01. Review status: criteria provided, single submitter. Criteria: Invitae Variant Classification Sherloc (09022015). Collection method: clinical testing. Allele origin: germline.
Comment: This sequence change replaces arginine, which is basic and polar, with cysteine, which is neutral and slightly polar, at codon 158 of the MMP14 protein (p.Arg158Cys). This variant is present in population databases (rs142628539, gnomAD 0.02%). This variant has not been reported in the literature in individuals affected with MMP14-related conditions. Advanced modeling of protein sequence and biophysical properties (such as structural, functional, and spatial information, amino acid conservation, physicochemical variation, residue mobility, and thermodynamic stability) performed at Invitae indicates that this missense variant is expected to disrupt MMP14 protein function with a positive predictive value of 80%. In summary, the available evidence is currently insufficient to determine the role of this variant in disease. Therefore, it has been classified as a Variant of Uncertain Significance.